The following is an entry in ClinVar:

NM_003482.4(KMT2D):c.7757A>G (p.Asn2586Ser)

Gene: KMT2D (lysine methyltransferase 2D; minus strand). Cytogenetic location: 12q13.12.
Variant type: single nucleotide variant.
Coding change: c.7757A>G on transcript NM_003482.4 (MANE Select); coding-DNA position 7757, A replaced by G.
Protein change: p.Asn2586Ser; replaces asparagine 2586 with serine.
Molecular consequence: missense variant.
Genome position (GRCh38, 1-based): chr12:49,040,013, T>C on the plus strand (A>G on the coding strand, the complement: KMT2D is on the minus strand). VCF-style: chr12-49040013-T-C. GRCh37 (hg19) VCF-style: chr12-49433796-T-C.
Other names: short protein forms N2586S.
Identifiers: ClinVar variation 2108528 (VCV002108528.4), dbSNP rs2120520968, ClinGen allele CA384746931.
Genomic context (GRCh38, chr12:49,040,013, plus strand): 5'-CCATAGCTCTCCCCTGTGGACCCGCTGCTGGGCCCCAGGGGGCTGCCCGATGGGTGGAAG[T>C]TCCCTGTGGCTACTGTGTAGTTTGTGCTTTGAGGCTTGCCCAAGGTGGGGCCGGGCCCAA-3'
Protein context (NP_003473.3, residues 2576-2596): QSTNYTVATG[Asn2586Ser]FHPSGSPLGP

ClinVar aggregate classification (germline): Uncertain significance (1 of 4 stars; one submission).

Conditions:
Kabuki syndrome. Also called: NIIKAWA-KUROKI SYNDROME; Kabuki make-up syndrome. Identifiers: Orphanet 2322, MedGen C0796004, MONDO:0016512.

Allele frequency attached by ClinVar (database versions not stated): gnomAD exomes below 0.00001.
gnomAD v4.1: 1 of 1,613,628 alleles (0.000062%); highest among the groups gnomAD compares: Non-Finnish European, 0.000085%; no homozygotes.

Submission:

Labcorp Genetics (formerly Invitae), Labcorp
Classification: Uncertain significance for Kabuki syndrome. Last evaluated: 2022-03-10. Review status: criteria provided, single submitter. Criteria: Invitae Variant Classification Sherloc (09022015). Collection method: clinical testing. Allele origin: germline.
Comment: In summary, the available evidence is currently insufficient to determine the role of this variant in disease. Therefore, it has been classified as a Variant of Uncertain Significance. Advanced modeling of protein sequence and biophysical properties (such as structural, functional, and spatial information, amino acid conservation, physicochemical variation, residue mobility, and thermodynamic stability) performed at Invitae indicates that this missense variant is not expected to disrupt KMT2D protein function. This variant has not been reported in the literature in individuals affected with KMT2D-related conditions. This variant is not present in population databases (gnomAD no frequency). This sequence change replaces asparagine, which is neutral and polar, with serine, which is neutral and polar, at codon 2586 of the KMT2D protein (p.Asn2586Ser).